The following is an entry in ClinVar:

NM_182914.3(SYNE2):c.2663C>T (p.Ser888Phe)

Gene: SYNE2 (spectrin repeat containing nuclear envelope protein 2; plus strand). Cytogenetic location: 14q23.2.
Variant type: single nucleotide variant.
Coding change: c.2663C>T on transcript NM_182914.3 (MANE Select); coding-DNA position 2663, C replaced by T.
Protein change: p.Ser888Phe; replaces serine 888 with phenylalanine.
Molecular consequence: missense variant.
Genome position (GRCh38, 1-based): chr14:63,993,851, C>T. VCF-style: chr14-63993851-C-T. GRCh37 (hg19) VCF-style: chr14-64460569-C-T.
Other names: c.2663C>T, p.Ser888Phe (NM_015180.6); c.2663C>T (NM_182914.2); short protein forms S888F.
Identifiers: ClinVar variation 1424305 (VCV001424305.9), dbSNP rs763645041, ClinGen allele CA7219764.

ClinVar aggregate classification (germline): Conflicting classifications of pathogenicity. Review status: criteria provided, conflicting classifications (1 of 4 stars). 2 submissions from 2 submitters: Uncertain significance (1); Likely benign (1). Last evaluated 2026-01-07.

Conditions:
Emery-Dreifuss muscular dystrophy 5, autosomal dominant (EDMD5). Also called: EMERY-DREIFUSS MUSCULAR DYSTROPHY 5. Identifiers: Orphanet 261, MedGen C2751805, MONDO:0013072, OMIM 612999.

Allele frequency attached by ClinVar (database versions not stated): ExAC 0.00001; gnomAD 0.00003; gnomAD exomes 0.00003.
gnomAD v4.1: 56 of 1,592,816 alleles (0.0035%); highest among the groups gnomAD compares: Non-Finnish European, 0.0044%; no homozygotes.

Submissions (2):

Labcorp Genetics (formerly Invitae), Labcorp
Classification: Uncertain significance for Emery-Dreifuss muscular dystrophy 5, autosomal dominant. Last evaluated: 2026-01-07. Review status: criteria provided, single submitter. Criteria: Invitae Variant Classification Sherloc (09022015). Collection method: clinical testing. Allele origin: germline.
Comment: This sequence change replaces serine, which is neutral and polar, with phenylalanine, which is neutral and non-polar, at codon 888 of the SYNE2 protein (p.Ser888Phe). The frequency data for this variant in the population databases is considered unreliable, as metrics indicate poor data quality at this position in the gnomAD database. This variant has not been reported in the literature in individuals affected with SYNE2-related conditions. ClinVar contains an entry for this variant (Variation ID: 1424305). An algorithm developed to predict the effect of missense changes on protein structure and function outputs the following: PolyPhen-2: "Benign". The phenylalanine amino acid residue is found in multiple mammalian species, which suggests that this missense change does not adversely affect protein function. In summary, the available evidence is currently insufficient to determine the role of this variant in disease. Therefore, it has been classified as a Variant of Uncertain Significance.

Ambry Genetics
Classification: Likely benign. Last evaluated: 2024-11-09. Review status: criteria provided, single submitter. Criteria: Ambry Variant Classification Scheme 2023. Collection method: clinical testing. Allele origin: germline.